The following is an entry in ClinVar:

NM_001110556.2(FLNA):c.6685A>T (p.Thr2229Ser)

Gene: FLNA (filamin A; minus strand). Cytogenetic location: Xq28.
Variant type: single nucleotide variant.
Coding change: c.6685A>T on transcript NM_001110556.2 (MANE Select); coding-DNA position 6685, A replaced by T.
Protein change: p.Thr2229Ser; replaces threonine 2229 with serine.
Molecular consequence: missense variant.
Genome position (GRCh38, 1-based): chrX:154,352,265, T>A on the plus strand (A>T on the coding strand, the complement: FLNA is on the minus strand). VCF-style: chrX-154352265-T-A. GRCh37 (hg19) VCF-style: chrX-153580633-T-A.
Other names: c.6661A>T, p.Thr2221Ser (NM_001456.4); short protein forms T2221S, T2229S.
Identifiers: ClinVar variation 2949723 (VCV002949723.3), dbSNP rs2522720490, ClinGen allele CA415189961.

ClinVar aggregate classification (germline): Uncertain significance (1 of 4 stars; one submission).

Conditions:
Heterotopia, periventricular, X-linked dominant (PVNH1). Also called: PERIVENTRICULAR NODULAR HETEROTOPIA 1; X-linked periventricular heterotopia; PERIVENTRICULAR NODULAR HETEROTOPIA 4; HETEROTOPIA, PERIVENTRICULAR, 1. Identifiers: Orphanet 2149, Orphanet 82004, MedGen C1848213, MONDO:0010233, OMIM 300049.
Melnick-Needles syndrome (MNS). Also called: Melnick-Needles Syndrome (FLNA-MNS); MELNICK-NEEDLES OSTEODYSPLASTY; OSTEODYSPLASTY OF MELNICK AND NEEDLES. Identifiers: Orphanet 2484, MedGen C0025237, MONDO:0010650, OMIM 309350.
Frontometaphyseal dysplasia (FMD1). Identifiers: Orphanet 1826, MedGen C0265293, MONDO:0015942.
Oto-palato-digital syndrome, type II (OPD2). Also called: Otopalatodigital Syndrome Type 2 (FLNA-OPD2); FACIOPALATOOSSEOUS SYNDROME; OPD II SYNDROME; Otopalatodigital Syndrome, Type II. Identifiers: Orphanet 669, Orphanet 90652, MedGen C1844696, MONDO:0010571, OMIM 304120.

Submission:

Labcorp Genetics (formerly Invitae), Labcorp
Classification: Uncertain significance for Oto-palato-digital syndrome, type II; Heterotopia, periventricular, X-linked dominant; Frontometaphyseal dysplasia; Melnick-Needles syndrome. Last evaluated: 2023-07-22. Review status: criteria provided, single submitter. Criteria: Invitae Variant Classification Sherloc (09022015). Collection method: clinical testing. Allele origin: germline.
Comment: This sequence change replaces threonine, which is neutral and polar, with serine, which is neutral and polar, at codon 2221 of the FLNA protein (p.Thr2221Ser). This variant is not present in population databases (gnomAD no frequency). This variant has not been reported in the literature in individuals affected with FLNA-related conditions. Advanced modeling of protein sequence and biophysical properties (such as structural, functional, and spatial information, amino acid conservation, physicochemical variation, residue mobility, and thermodynamic stability) performed at Invitae indicates that this missense variant is not expected to disrupt FLNA protein function. In summary, the available evidence is currently insufficient to determine the role of this variant in disease. Therefore, it has been classified as a Variant of Uncertain Significance.